The following is an entry in ClinVar:

ClinVar aggregate classification (germline): Uncertain significance. Review status: criteria provided, multiple submitters, no conflicts (2 of 4 stars). 2 submissions from 2 submitters: Uncertain significance (2). Last evaluated 2025-07-22.

Conditions:
Hereditary cancer-predisposing syndrome. Also called: Tumor predisposition; Neoplastic Syndromes, Hereditary; Hereditary neoplastic syndrome; Hereditary Cancer Syndrome. Identifiers: Orphanet 140162, MedGen C0027672, MeSH D009386, MONDO:0015356.
Hereditary nonpolyposis colorectal neoplasms. Identifiers: MedGen C0009405, MeSH D003123.

Allele frequency attached by ClinVar (database versions not stated): gnomAD exomes below 0.00001.
gnomAD v4.1: 1 of 1,614,132 alleles (0.000062%); highest among the groups gnomAD compares: South Asian, 0.0011%; no homozygotes.

Submissions (2):

Ambry Genetics
Classification: Uncertain significance for Hereditary cancer-predisposing syndrome. Last evaluated: 2025-07-22. Review status: criteria provided, single submitter. Criteria: Ambry Variant Classification Scheme 2023. Collection method: clinical testing. Allele origin: germline.
Comment: The p.P293R variant (also known as c.878C>G), located in coding exon 4 of the MSH6 gene, results from a C to G substitution at nucleotide position 878. The proline at codon 293 is replaced by arginine, an amino acid with dissimilar properties. This amino acid position is conserved. In addition, the in silico prediction for this alteration is inconclusive. Based on the available evidence, the clinical significance of this variant remains unclear.

Labcorp Genetics (formerly Invitae), Labcorp
Classification: Uncertain significance for Hereditary nonpolyposis colorectal neoplasms. Last evaluated: 2022-10-20. Review status: criteria provided, single submitter. Criteria: Invitae Variant Classification Sherloc (09022015). Collection method: clinical testing. Allele origin: germline.
Comment: In summary, the available evidence is currently insufficient to determine the role of this variant in disease. Therefore, it has been classified as a Variant of Uncertain Significance. Advanced modeling of protein sequence and biophysical properties (such as structural, functional, and spatial information, amino acid conservation, physicochemical variation, residue mobility, and thermodynamic stability) performed at Invitae indicates that this missense variant is not expected to disrupt MSH6 protein function. ClinVar contains an entry for this variant (Variation ID: 1020877). This variant has not been reported in the literature in individuals affected with MSH6-related conditions. This variant is not present in population databases (gnomAD no frequency). This sequence change replaces proline, which is neutral and non-polar, with arginine, which is basic and polar, at codon 293 of the MSH6 protein (p.Pro293Arg).

NM_000179.3(MSH6):c.878C>G (p.Pro293Arg)

Gene: MSH6 (mutS homolog 6; plus strand). Cytogenetic location: 2p16.3.
Variant type: single nucleotide variant.
Coding change: c.878C>G on transcript NM_000179.3 (MANE Select); coding-DNA position 878, C replaced by G.
Protein change: p.Pro293Arg; replaces proline 293 with arginine.
Molecular consequence: missense variant. On other transcripts: 5 prime UTR variant (2).
Genome position (GRCh38, 1-based): chr2:47,798,861, C>G. VCF-style: chr2-47798861-C-G. GRCh37 (hg19) VCF-style: chr2-48026000-C-G.
Other names: c.878C>G (NM_000179.2); c.488C>G, p.Pro163Arg (NM_001281492.2); c.-29C>G (NM_001281493.2, NM_001281494.2); short protein forms P163R, P293R.
Identifiers: ClinVar variation 1020877 (VCV001020877.10), dbSNP rs1553412308, ClinGen allele CA346740663.